The following is an entry in ClinVar:

ClinVar aggregate classification (germline): Pathogenic (1 of 4 stars; one submission).

Submission:

Labcorp Genetics (formerly Invitae), Labcorp
Classification: Pathogenic. Last evaluated: 2023-12-10. Review status: criteria provided, single submitter. Criteria: Invitae Variant Classification Sherloc (09022015). Collection method: clinical testing. Allele origin: germline.
Comment: This sequence change creates a premature translational stop signal (p.Asn109Metfs*28) in the RINT1 gene. It is expected to result in an absent or disrupted protein product. Loss-of-function variants in RINT1 are known to be pathogenic (PMID: 31204009). This variant is not present in population databases (gnomAD no frequency). This variant has not been reported in the literature in individuals affected with RINT1-related conditions. For these reasons, this variant has been classified as Pathogenic.

Literature cited by the submitters: PubMed 31204009.

NM_021930.6(RINT1):c.326del (p.Asn109fs)

Gene: RINT1 (RAD50 interactor 1; plus strand). Cytogenetic location: 7q22.3.
Variant type: Deletion.
Coding change: c.326del on transcript NM_021930.6 (MANE Select); coding-DNA position 326, one base deleted (A; older notation c.326delA).
Protein change: p.Asn109fs; shifts the reading frame from asparagine 109.
Molecular consequence: frameshift variant. On other transcripts: 5 prime UTR variant (3), non-coding transcript variant (1).
Genome position (GRCh38, 1-based): chr7:105,542,460, A deleted; the last of 6 consecutive A bases (chr7:105,542,455-105,542,460); deleting any one gives the same sequence. VCF-style (leftmost placement, unchanged base first): chr7-105542454-TA-T. GRCh37 (hg19) VCF-style: chr7-105182901-TA-T.
Other names: c.92del, p.Asn31fs (NM_001346599.2); c.-694del (NM_001346600.2); c.-597del (NM_001346601.2); c.-217del (NM_001346603.2); short protein forms N31fs, N109fs.
Identifiers: ClinVar variation 2768202 (VCV002768202.3), dbSNP rs2133373175, ClinGen allele CA457201687.